The following is an entry in ClinVar:

ClinVar aggregate classification (germline): Uncertain significance (1 of 4 stars; one submission).

gnomAD v4.1: 1 of 1,614,206 alleles (0.000062%); highest among the groups gnomAD compares: South Asian, 0.0011%; no homozygotes.

Submission:

Labcorp Genetics (formerly Invitae), Labcorp
Classification: Uncertain significance. Last evaluated: 2021-07-15. Review status: criteria provided, single submitter. Criteria: Invitae Variant Classification Sherloc (09022015). Collection method: clinical testing. Allele origin: germline.
Comment: In summary, the available evidence is currently insufficient to determine the role of this variant in disease. Therefore, it has been classified as a Variant of Uncertain Significance. This sequence change replaces leucine with phenylalanine at codon 97 of the LCT protein (p.Leu97Phe). The leucine residue is moderately conserved and there is a small physicochemical difference between leucine and phenylalanine. This variant is not present in population databases (ExAC no frequency). This variant has not been reported in the literature in individuals with LCT-related conditions. Algorithms developed to predict the effect of missense changes on protein structure and function are either unavailable or do not agree on the potential impact of this missense change (SIFT: "Not Available"; PolyPhen-2: "Possibly Damaging"; Align-GVGD: "Not Available").

NM_002299.4(LCT):c.289C>T (p.Leu97Phe)

Gene: LCT (lactase; minus strand). Cytogenetic location: 2q21.3.
Variant type: single nucleotide variant.
Coding change: c.289C>T on transcript NM_002299.4 (MANE Select); coding-DNA position 289, C replaced by T.
Protein change: p.Leu97Phe; replaces leucine 97 with phenylalanine.
Molecular consequence: missense variant.
Genome position (GRCh38, 1-based): chr2:135,836,881, G>A on the plus strand (C>T on the coding strand, the complement: LCT is on the minus strand). VCF-style: chr2-135836881-G-A. GRCh37 (hg19) VCF-style: chr2-136594451-G-A.
Other names: short protein forms L97F.
Identifiers: ClinVar variation 1423925 (VCV001423925.8), dbSNP rs1234094603, ClinGen allele CA348609643.